The following is an entry in ClinVar:

NM_001099271.2(POC5):c.608A>G (p.His203Arg)

Gene: POC5 (POC5 centriolar protein; minus strand). Cytogenetic location: 5q13.3.
Variant type: single nucleotide variant.
Coding change: c.608A>G on transcript NM_001099271.2 (MANE Select); coding-DNA position 608, A replaced by G.
Protein change: p.His203Arg; replaces histidine 203 with arginine.
Molecular consequence: missense variant.
Genome position (GRCh38, 1-based): chr5:75,694,737, T>C on the plus strand (A>G on the coding strand, the complement: POC5 is on the minus strand). VCF-style: chr5-75694737-T-C. GRCh37 (hg19) VCF-style: chr5-74990562-T-C.
Other names: c.533A>G, p.His178Arg (NM_152408.3); short protein forms H178R, H203R.
Identifiers: ClinVar variation 1715699 (VCV001715699.5), dbSNP rs2478856471, ClinGen allele CA360148130.

ClinVar aggregate classification (germline): Uncertain significance (1 of 4 stars; one submission).

Submission:

Labcorp Genetics (formerly Invitae), Labcorp
Classification: Uncertain significance. Last evaluated: 2022-08-08. Review status: criteria provided, single submitter. Criteria: Invitae Variant Classification Sherloc (09022015). Collection method: clinical testing. Allele origin: germline.
Comment: This variant has not been reported in the literature in individuals affected with POC5-related conditions. This variant is not present in population databases (gnomAD no frequency). This sequence change replaces histidine, which is basic and polar, with arginine, which is basic and polar, at codon 203 of the POC5 protein (p.His203Arg). Algorithms developed to predict the effect of missense changes on protein structure and function are either unavailable or do not agree on the potential impact of this missense change (SIFT: "Not Available"; PolyPhen-2: "Benign"; Align-GVGD: "Not Available"). In summary, the available evidence is currently insufficient to determine the role of this variant in disease. Therefore, it has been classified as a Variant of Uncertain Significance.